The following is an entry in ClinVar:

ClinVar aggregate classification (germline): Uncertain significance. Review status: criteria provided, single submitter (1 of 4 stars). 2 submissions from 2 submitters: Uncertain significance (1). 1 of the submissions does not count toward it. Last evaluated 2025-05-30.

Conditions:
ACOX1-related disorder. Also called: ACOX1-related disorders; ACOX1-related condition.

Submissions (2):

GeneDx
Classification: Uncertain significance. Last evaluated: 2025-05-30. Review status: criteria provided, single submitter. Criteria: GeneDx Variant Classification Process June 2021. Collection method: clinical testing. Allele origin: germline. Affected: yes.
Comment: Not observed at significant frequency in large population cohorts (gnomAD); In silico analysis supports that this missense variant has a deleterious effect on protein structure/function; Has not been previously published as pathogenic or benign to our knowledge

PreventionGenetics, part of Exact Sciences
Classification: Uncertain significance for ACOX1-related condition. Last evaluated: 2024-09-23. Review status: no assertion criteria provided. Collection method: clinical testing. Allele origin: germline. Not counted in ClinVar's aggregate classification.
Comment: The ACOX1 c.319T>G variant is predicted to result in the amino acid substitution p.Phe107Val. To our knowledge, this variant has not been reported in the literature or in a large population database, indicating this variant is rare. At this time, the clinical significance of this variant is uncertain due to the absence of conclusive functional and genetic evidence.

NM_004035.7(ACOX1):c.319T>G (p.Phe107Val)

Gene: ACOX1 (acyl-CoA oxidase 1; minus strand). Cytogenetic location: 17q25.1.
Variant type: single nucleotide variant.
Coding change: c.319T>G on transcript NM_004035.7 (MANE Select); coding-DNA position 319, T replaced by G.
Protein change: p.Phe107Val; replaces phenylalanine 107 with valine.
Molecular consequence: missense variant. On other transcripts: intron variant (1).
Genome position (GRCh38, 1-based): chr17:75,960,326, A>C on the plus strand (T>G on the coding strand, the complement: ACOX1 is on the minus strand). VCF-style: chr17-75960326-A-C. GRCh37 (hg19) VCF-style: chr17-73956407-A-C.
Other names: c.205T>G, p.Phe69Val (NM_001185039.2); c.431-2760T>G (NM_007292.6); short protein forms F107V, F69V.
Identifiers: ClinVar variation 3345274 (VCV003345274.2).